The following is an entry in ClinVar:

ClinVar aggregate classification (germline): Pathogenic/Likely pathogenic. Review status: criteria provided, multiple submitters, no conflicts (2 of 4 stars). 2 submissions from 2 submitters: Pathogenic (1); Likely pathogenic (1). Last evaluated 2025-04-28.

Conditions:
Walker-Warburg congenital muscular dystrophy. Also called: Muscular dystrophy-dystroglycanopathy, type A; Walker-Warburg syndrome. Identifiers: Orphanet 899, MedGen C0265221, MONDO:0000171.
Autosomal recessive limb-girdle muscular dystrophy type 2K. Also called: MUSCULAR DYSTROPHY, LIMB-GIRDLE, TYPE 2K; MUSCULAR DYSTROPHY-DYSTROGLYCANOPATHY (LIMB-GIRDLE), TYPE C, 1. Identifiers: Orphanet 86812, MedGen C1836373, MONDO:0012248, OMIM 609308.
Muscular dystrophy-dystroglycanopathy (congenital with impaired intellectual development), type B, 1. Also called: MUSCULAR DYSTROPHY, CONGENITAL, POMT1-RELATED; Muscular dystrophy-dystroglycanopathy (congenital with intellectual disability), type B1. Identifiers: MedGen C5436962, MONDO:0013159, OMIM 613155.

Submissions (2):

Dasa
Classification: Likely pathogenic. Last evaluated: 2025-04-28. Review status: criteria provided, single submitter. Criteria: DASA Assertion Criteria. Collection method: clinical testing. Allele origin: germline.
Comment: NM_001077365.2(POMT1):c.1671del (p.Ile557Metfs*19) is a frameshift variant in POMT1 predicted to alter the reading frame and introduce a premature termination codon and is predicted to result in an absent or altered protein product. Loss of function is an established disease mechanism for POMT1-associated disorders. Also, this variant is absent from population databases. Based on the currently available evidence, this variant is classified as likely pathogenic.

Labcorp Genetics (formerly Invitae), Labcorp
Classification: Pathogenic for Muscular dystrophy-dystroglycanopathy (congenital with impaired intellectual development), type B, 1; Walker-Warburg congenital muscular dystrophy; Autosomal recessive limb-girdle muscular dystrophy type 2K. Last evaluated: 2019-03-13. Review status: criteria provided, single submitter. Criteria: Invitae Variant Classification Sherloc (09022015). Collection method: clinical testing. Allele origin: germline.
Comment: For these reasons, this variant has been classified as Pathogenic. This sequence change creates a premature translational stop signal (p.Ile579Metfs*19) in the POMT1 gene. It is expected to result in an absent or disrupted protein product. This variant is not present in population databases (ExAC no frequency). This variant has not been reported in the literature in individuals with POMT1-related conditions. Loss-of-function variants in POMT1 are known to be pathogenic (PMID: 12369018, 15637732, 16575835).

Literature cited by the submitters: PubMed 12369018 (cited by Labcorp Genetics (formerly Invitae), Labcorp); PubMed 15637732 (cited by Labcorp Genetics (formerly Invitae), Labcorp); PubMed 16575835 (cited by Labcorp Genetics (formerly Invitae), Labcorp).

NM_001077365.2(POMT1):c.1671del (p.Ile557fs)

Gene: POMT1 (protein O-mannosyltransferase 1; plus strand). Cytogenetic location: 9q34.13.
Variant type: Deletion.
Coding change: c.1671del on transcript NM_001077365.2 (MANE Select); coding-DNA position 1671, one base deleted (T; older notation c.1671delT).
Protein change: p.Ile557fs; shifts the reading frame from isoleucine 557.
Molecular consequence: frameshift variant. On other transcripts: non-coding transcript variant (10).
Genome position (GRCh38, 1-based): chr9:131,520,166, T deleted; the last of 2 consecutive T bases (chr9:131,520,165-131,520,166); deleting either gives the same sequence. VCF-style (leftmost placement, unchanged base first): chr9-131520164-AT-A. GRCh37 (hg19) VCF-style: chr9-134395551-AT-A.
Other names: c.1509del, p.Ile503fs (NM_001077366.2, NM_001353194.2); c.1671del, p.Ile557fs (NM_001136113.2); c.1320del, p.Ile440fs (NM_001136114.2, NM_001353195.2, NM_001374691.1 and 2 more transcripts); c.1737del, p.Ile579fs (NM_001353193.2, NM_007171.4); c.1581del, p.Ile527fs (NM_001353196.2); c.1575del, p.Ile525fs (NM_001353197.2, NM_001353198.2); c.1386del, p.Ile462fs (NM_001353199.2); c.1215del, p.Ile405fs (NM_001353200.2); and 3 more; short protein forms I405fs, I525fs, I579fs, I557fs, I503fs, I553fs, I427fs, I440fs.
Identifiers: ClinVar variation 848752 (VCV000848752.10), dbSNP rs1949626483, ClinGen allele CA916083076.